The following is an entry in ClinVar:

ClinVar aggregate classification (germline): Pathogenic/Likely pathogenic. Review status: criteria provided, multiple submitters, no conflicts (2 of 4 stars). 7 submissions from 7 submitters: Pathogenic (4); Likely pathogenic (3). Last evaluated 2025-11-18.

Conditions:
WFS1-related disorder. Identifiers: MedGen CN379391, MONDO:0700293.
Autosomal dominant nonsyndromic hearing loss 6 (LFSNHL). Also called: Autosomal dominant nonsyndromic deafness 6; DEAFNESS, AUTOSOMAL DOMINANT 6; DEAFNESS, AUTOSOMAL DOMINANT 14; DEAFNESS, AUTOSOMAL DOMINANT 38. Identifiers: Orphanet 90635, MedGen C1833021, MONDO:0010963, OMIM 600965.
Type 2 diabetes mellitus. Also called: Type II diabetes mellitus. Identifiers: MedGen C0011860, MeSH D003924, MONDO:0005148, OMIM 125853, HP:0005978.
Wolfram-like syndrome. Also called: HEARING LOSS, PROGRESSIVE, WITH OPTIC ATROPHY AND/OR IMPAIRED GLUCOSE REGULATION. Identifiers: Orphanet 411590, MedGen C3280358, MONDO:0013673, OMIM 614296.
Cataract 41 (CTRCT41). Also called: CATARACT 41, CONGENITAL NUCLEAR TYPE. Identifiers: Orphanet 91492, Orphanet 98991, Orphanet 98992, Orphanet 98995, MedGen C3805412, MONDO:0007287, OMIM 116400.
Wolfram syndrome 1 (WFS1). Identifiers: Orphanet 3463, MedGen C4551693, MONDO:0009101, OMIM 222300.

Allele frequency attached by ClinVar (database versions not stated): gnomAD exomes below 0.00001 and 0.00006; ExAC 0.00001; gnomAD 0.00002 and 0.00004; TOPMed 0.00004; ESP Exome Variant Server 0.00008.
gnomAD v4.1: 90 of 1,612,754 alleles (0.0056%); highest among the groups gnomAD compares: Non-Finnish European, 0.0072%; no homozygotes.

Submissions (7):

PreventionGenetics, part of Exact Sciences
Classification: Pathogenic for WFS1-related condition. Last evaluated: 2025-11-18. Review status: criteria provided, single submitter. Criteria: ACMG Guidelines, 2015. Collection method: clinical testing. Allele origin: germline.
Comment: The WFS1 c.2254G>T variant is predicted to result in premature protein termination (p.Glu752*). This variant has been reported along with both a frameshift variant and a missense variant in one individual with Wolfram syndrome, and in the heterozygous state in the absence of a second WFS1 variant in an individual with Wolfram syndrome (Hardy et al. 1999. PubMed ID: 10521293). This variant has also been reported along with a missense WFS1 variant in an individual from a cohort study of maturity-onset diabetes of the young (Table S4, Colclough et al. 2022. PubMed ID: 34789499). This variant is reported in 0.00091% of alleles in individuals of European (Non-Finnish) descent in gnomAD (gnomAD). Nonsense variants in WFS1 are an established mechanism of disease. This variant is interpreted as pathogenic.

Labcorp Genetics (formerly Invitae), Labcorp
Classification: Pathogenic. Last evaluated: 2025-03-26. Review status: criteria provided, single submitter. Criteria: Invitae Variant Classification Sherloc (09022015). Collection method: clinical testing. Allele origin: germline.
Comment: This sequence change creates a premature translational stop signal (p.Glu752*) in the WFS1 gene. While this is not anticipated to result in nonsense mediated decay, it is expected to disrupt the last 139 amino acid(s) of the WFS1 protein. This variant is present in population databases (rs201239579, gnomAD 0.0009%). This premature translational stop signal has been observed in individual(s) with Wolfram syndrome (PMID: 15277431, 23981289). ClinVar contains an entry for this variant (Variation ID: 215399). For these reasons, this variant has been classified as Pathogenic.

Blueprint Genetics
Classification: Likely pathogenic for WFS1-related disorders. Last evaluated: 2024-09-03. Review status: criteria provided, single submitter. Criteria: ACMG Guidelines, 2015. Collection method: clinical testing. Allele origin: germline. Affected: yes. Observed: 3 variant alleles.

Fulgent Genetics
Classification: Pathogenic for Cataract 41; Type 2 diabetes mellitus; Wolfram syndrome 1; Autosomal dominant nonsyndromic hearing loss 6; Wolfram-like syndrome. Last evaluated: 2024-04-30. Review status: criteria provided, single submitter. Criteria: ACMG Guidelines, 2015. Collection method: clinical testing. Allele origin: germline.

GeneDx
Classification: Pathogenic. Last evaluated: 2024-02-06. Review status: criteria provided, single submitter. Criteria: GeneDx Variant Classification Process June 2021. Collection method: clinical testing. Allele origin: germline. Affected: yes.
Comment: Nonsense variant predicted to result in protein truncation or nonsense mediated decay in a gene for which loss-of-function is a known mechanism of disease; Not observed at significant frequency in large population cohorts (gnomAD); This variant is associated with the following publications: (PMID: 15277431, 15852062, 34789499, 28432734, 26025012, 23981289, 36208030, 37508961, 10521293)

Genetic Services Laboratory, University of Chicago
Classification: Likely pathogenic. Last evaluated: 2022-01-20. Review status: criteria provided, single submitter. Criteria: ACMG Guidelines, 2015. Collection method: clinical testing. Allele origin: germline. Affected: yes.
Comment: DNA sequence analysis of the WFS1 gene demonstrated a sequence change,c.2254G>T , which results in the creation of a premature stop codon at amino acid position 752, p.Glu752*. This pathogenic sequence change is predicted to result in an abnormal transcript, which may be degraded, or may lead to the production of a truncated WFS1 protein with potentially abnormal function. This sequence change has been described in the gnomAD database in one heterozygous individual which corresponds to a population frequency of 0.00041% (dbSNP rs201239579). This sequence change has been reported previously in two individuals with Wolfram syndrome (PMID: 10521293). In one individual, a frameshift variant and a missense variant were also identified in the WFS1 gene, while in the second individual no other variants in WFS1 were identified (PMID: 10521293).

Molecular Diagnostics Laboratory, M Health Fairview: University of Minnesota
Classification: Likely pathogenic for Wolfram-like syndrome. Last evaluated: 2021-08-25. Review status: criteria provided, single submitter. Criteria: ACMG Guidelines, 2015. Collection method: clinical testing. Allele origin: germline. Affected: yes.

Literature cited by the submitters: PubMed 15277431 (cited by Labcorp Genetics (formerly Invitae), Labcorp); PubMed 23981289 (cited by Labcorp Genetics (formerly Invitae), Labcorp).

NM_006005.3(WFS1):c.2254G>T (p.Glu752Ter)

Gene: WFS1 (wolframin ER transmembrane glycoprotein; plus strand). Cytogenetic location: 4p16.1.
Variant type: single nucleotide variant.
Coding change: c.2254G>T on transcript NM_006005.3 (MANE Select); coding-DNA position 2254, G replaced by T.
Protein change: p.Glu752Ter; replaces glutamic acid 752 with a stop codon.
Molecular consequence: nonsense.
Genome position (GRCh38, 1-based): chr4:6,302,049, G>T. VCF-style: chr4-6302049-G-T. GRCh37 (hg19) VCF-style: chr4-6303776-G-T.
Other names: p.E752*:GAG>TAG; p.Glu752X; c.2254G>T, p.Glu752Ter (NM_001145853.1); short protein forms E752*.
Identifiers: ClinVar variation 215399 (VCV000215399.16), dbSNP rs201239579, ClinGen allele CA319834.